The following is an entry in ClinVar:

NM_001378457.1(DMXL2):c.9080del (p.Gly3027fs)

Gene: DMXL2 (Dmx like 2; minus strand). Cytogenetic location: 15q21.2.
Variant type: Deletion.
Coding change: c.9080del on transcript NM_001378457.1 (MANE Select); coding-DNA position 9080, one base deleted (G; older notation c.9080delG).
Protein change: p.Gly3027fs; shifts the reading frame from glycine 3027.
Molecular consequence: frameshift variant. On other transcripts: non-coding transcript variant (2).
Genome position (GRCh38, 1-based): chr15:51,449,081, C deleted on the plus strand (G on the coding strand, the reverse complement: DMXL2 is on the minus strand); the first of 3 consecutive C bases (chr15:51,449,081-51,449,083); deleting any one gives the same sequence. VCF-style (leftmost placement, unchanged base first): chr15-51449080-GC-G. GRCh37 (hg19) VCF-style: chr15-51741277-GC-G.
Other names: c.9017del, p.Gly3006fs (NM_001174116.3); c.7106del, p.Gly2369fs (NM_001174117.3); c.9077del, p.Gly3026fs (NM_001378458.1); c.8792del, p.Gly2931fs (NM_001378459.1); c.6995del, p.Gly2332fs (NM_001378460.1); c.9014del, p.Gly3005fs (NM_015263.5); short protein forms G2369fs, G3027fs, G2931fs, G3005fs, G3006fs, G2332fs, G3026fs.
Identifiers: ClinVar variation 2008078 (VCV002008078.4), dbSNP rs2542921119, ClinGen allele CA2580089740.
Genomic context (GRCh38, chr15:51,449,080, plus strand): 5'-AGCATTGGGCAAAACCCTGGTTTTCAGCGTGCCATCTGCACCACAGGAGAAGAGCCGATT[GC>G]CCTGGATGATGTCAATCTGCATGACTCCAGCCCCAATGTTTCGAAATATGGACTGCTTAG-3'

ClinVar aggregate classification (germline): Uncertain significance (1 of 4 stars; one submission).

Submission:

Labcorp Genetics (formerly Invitae), Labcorp
Classification: Uncertain significance. Last evaluated: 2023-07-10. Review status: criteria provided, single submitter. Criteria: Invitae Variant Classification Sherloc (09022015). Collection method: clinical testing. Allele origin: germline.
Comment: In summary, the available evidence is currently insufficient to determine the role of this variant in disease. Therefore, it has been classified as a Variant of Uncertain Significance. Experimental studies and prediction algorithms are not available or were not evaluated, and the functional significance of this variant is currently unknown. ClinVar contains an entry for this variant (Variation ID: 2008078). This variant has not been reported in the literature in individuals affected with DMXL2-related conditions. This variant is not present in population databases (gnomAD no frequency). This sequence change creates a premature translational stop signal (p.Gly3006Alafs*13) in the DMXL2 gene. While this is not anticipated to result in nonsense mediated decay, it is expected to disrupt the last 32 amino acid(s) of the DMXL2 protein.